The following is an entry in ClinVar:

NM_020937.4(FANCM):c.388C>T (p.Arg130Cys)

Gene: FANCM (FA complementation group M; plus strand). Cytogenetic location: 14q21.2.
Variant type: single nucleotide variant.
Coding change: c.388C>T on transcript NM_020937.4 (MANE Select); coding-DNA position 388, C replaced by T.
Protein change: p.Arg130Cys; replaces arginine 130 with cysteine.
Molecular consequence: missense variant.
Genome position (GRCh38, 1-based): chr14:45,136,419, C>T. VCF-style: chr14-45136419-C-T. GRCh37 (hg19) VCF-style: chr14-45605622-C-T.
Other names: c.388C>T (NM_020937.3); c.388C>T, p.Arg130Cys (NM_001308133.2, NM_001308134.2); short protein forms R130C.
Identifiers: ClinVar variation 945080 (VCV000945080.18), dbSNP rs758891745, ClinGen allele CA7168749.

ClinVar aggregate classification (germline): Uncertain significance. Review status: criteria provided, multiple submitters, no conflicts (2 of 4 stars). 4 submissions from 4 submitters: Uncertain significance (4). Last evaluated 2024-10-30.

Conditions:
Spermatogenic failure 28. Identifiers: MedGen C4748117, MONDO:0054732, OMIM 618086.
Premature ovarian failure 15. Identifiers: MedGen C4748170, MONDO:0054862, OMIM 618096.
Fanconi anemia (FA). Also called: Fanconi's anemia. Identifiers: Orphanet 84, MedGen C0015625, MeSH D005199, MONDO:0019391.

Allele frequency attached by ClinVar (database versions not stated): TOPMed 0.00005.

Submissions (4):

Quest Diagnostics Nichols Institute San Juan Capistrano
Classification: Uncertain significance. Last evaluated: 2024-10-30. Review status: criteria provided, single submitter. Criteria: Quest Diagnostics criteria. Collection method: clinical testing. Allele origin: unknown.
Comment: The FANCM c.388C>T (p.Arg130Cys) variant has not been reported in individuals with FANCM-related conditions in the published literature. The frequency of this variant in the general population, 0.000011 (3/282782 chromosomes (Genome Aggregation Database)), is uninformative in the assessment of its pathogenicity. Analysis of this variant using bioinformatics tools for the prediction of the effect of amino acid changes on protein structure and function yielded predictions that this variant is damaging. Based on the available information, we are unable to determine the clinical significance of this variant.

GeneDx
Classification: Uncertain significance. Last evaluated: 2024-09-16. Review status: criteria provided, single submitter. Criteria: GeneDx Variant Classification Process June 2021. Collection method: clinical testing. Allele origin: germline. Affected: yes.
Comment: Not observed at significant frequency in large population cohorts (gnomAD); In silico analysis supports that this missense variant has a deleterious effect on protein structure/function; Has not been previously published as pathogenic or benign to our knowledge; This variant is associated with the following publications: (PMID: 36259290)

Labcorp Genetics (formerly Invitae), Labcorp
Classification: Uncertain significance for Fanconi anemia. Last evaluated: 2022-01-27. Review status: criteria provided, single submitter. Criteria: Invitae Variant Classification Sherloc (09022015). Collection method: clinical testing. Allele origin: germline.
Comment: In summary, the available evidence is currently insufficient to determine the role of this variant in disease. Therefore, it has been classified as a Variant of Uncertain Significance. Algorithms developed to predict the effect of missense changes on protein structure and function are either unavailable or do not agree on the potential impact of this missense change (SIFT: "Deleterious"; PolyPhen-2: "Probably Damaging"; Align-GVGD: "Class C0"). ClinVar contains an entry for this variant (Variation ID: 945080). This variant has not been reported in the literature in individuals affected with FANCM-related conditions. This variant is present in population databases (rs758891745, gnomAD 0.006%). This sequence change replaces arginine, which is basic and polar, with cysteine, which is neutral and slightly polar, at codon 130 of the FANCM protein (p.Arg130Cys).

Fulgent Genetics
Classification: Uncertain significance for Spermatogenic failure 28; Premature ovarian failure 15. Last evaluated: 2021-12-21. Review status: criteria provided, single submitter. Criteria: ACMG Guidelines, 2015. Collection method: clinical testing. Allele origin: unknown.